The following is an entry in ClinVar:

NM_003900.5(SQSTM1):c.1231G>A (p.Gly411Ser)

Gene: SQSTM1 (sequestosome 1; plus strand). Cytogenetic location: 5q35.3.
Variant type: single nucleotide variant.
Coding change: c.1231G>A on transcript NM_003900.5 (MANE Select); coding-DNA position 1231, G replaced by A.
Protein change: p.Gly411Ser; replaces glycine 411 with serine.
Molecular consequence: missense variant.
Genome position (GRCh38, 1-based): chr5:179,836,501, G>A. VCF-style: chr5-179836501-G-A. GRCh37 (hg19) VCF-style: chr5-179263501-G-A.
Other names: c.979G>A, p.Gly327Ser (NM_001142298.2, NM_001142299.2); c.1231G>A (NM_003900.4); short protein forms G327S, G411S.
Identifiers: ClinVar variation 1458052 (VCV001458052.17), dbSNP rs143511494, ClinGen allele CA3600867.

ClinVar aggregate classification (germline): Conflicting classifications of pathogenicity. Review status: criteria provided, conflicting classifications (1 of 4 stars). 9 submissions from 8 submitters: Pathogenic (1); Likely pathogenic (6); Uncertain significance (1). 1 of the submissions does not count toward it. Last evaluated 2025-02-28.

Conditions:
Frontotemporal dementia and/or amyotrophic lateral sclerosis 3. Also called: FTDALS3. Identifiers: Orphanet 275864, Orphanet 275872, Orphanet 803, MedGen C4225326, MONDO:0014640, OMIM 616437.
Paget disease of bone 3. Identifiers: MedGen C4085252, MONDO:0008176, OMIM 167250.
Myopathy, distal, with rimmed vacuoles (DMRV). Also called: MULTISYSTEM PROTEINOPATHY 4. Identifiers: MedGen C5399975, MONDO:0014945, OMIM 617158.
SQSTM1-related disorder. Also called: SQSTM1-Related Disorders.
Frontotemporal dementia and/or amyotrophic lateral sclerosis 1 (FTDALS1). Also called: C9orf72 Frontotemporal Dementia and/or Amyotrophic Lateral Sclerosis; Frontotemporal dementia with motor neuron disease 1. Identifiers: Orphanet 275872, MedGen C5779877, MONDO:0007105, OMIM 105550.
Paget disease of bone 2, early-onset (PDB2). Also called: Paget disease of bone 2. Identifiers: MedGen C4085251, MONDO:0011183, OMIM 602080.
Neurodegeneration with ataxia, dystonia, and gaze palsy, childhood-onset (NADGP). Identifiers: MedGen C4310693, MONDO:0014940, OMIM 617145.

Allele frequency attached by ClinVar (database versions not stated): gnomAD exomes 0.00004; ExAC 0.00005; gnomAD 0.00006; TOPMed 0.00006; ESP Exome Variant Server 0.00008.
gnomAD v4.1: 99 of 1,614,042 alleles (0.0061%); highest among the groups gnomAD compares: South Asian, 0.029%; no homozygotes.

Submissions (9):

Labcorp Genetics (formerly Invitae), Labcorp
Classification: Pathogenic for Paget disease of bone 2, early-onset; Frontotemporal dementia and/or amyotrophic lateral sclerosis 1. Last evaluated: 2025-02-28. Review status: criteria provided, single submitter. Criteria: Invitae Variant Classification Sherloc (09022015). Collection method: clinical testing. Allele origin: germline.
Comment: This sequence change replaces glycine, which is neutral and non-polar, with serine, which is neutral and polar, at codon 411 of the SQSTM1 protein (p.Gly411Ser). This variant is present in population databases (rs143511494, gnomAD 0.02%). This missense change has been observed in individuals with autosomal dominant amyotrophic lateral sclerosis and/or Paget's disease of the bone (PMID: 15176995, 17181397, 22084127). ClinVar contains an entry for this variant (Variation ID: 1458052). Invitae Evidence Modeling of protein sequence and biophysical properties (such as structural, functional, and spatial information, amino acid conservation, physicochemical variation, residue mobility, and thermodynamic stability) indicates that this missense variant is expected to disrupt SQSTM1 protein function with a positive predictive value of 80%. Experimental studies have shown that this missense change affects SQSTM1 function (PMID: 26412716). For these reasons, this variant has been classified as Pathogenic.

Blueprint Genetics
Classification: Uncertain significance. Last evaluated: 2024-05-27. Review status: criteria provided, single submitter. Criteria: ACMG Guidelines, 2015. Collection method: clinical testing. Allele origin: germline.

GeneDx
Classification: Likely pathogenic. Last evaluated: 2024-03-08. Review status: criteria provided, single submitter. Criteria: GeneDx Variant Classification Process June 2021. Collection method: clinical testing. Allele origin: germline. Affected: yes.
Comment: Published functional studies demonstrate a damaging effect, with p.G411S hindering ubiquitin binding when expressed in full length (PMID: 28380357, 15765181); In silico analysis supports that this missense variant has a deleterious effect on protein structure/function; This variant is associated with the following publications: (PMID: 31036632, 16691492, 24899140, 24486447, 19049332, 15765181, 32329415, 16877352, 30826216, 37759550, 29507397, 15493999, 15176995, 26412716, 21517082, 20230821, 21986510, 28380357, 17181397, 20200946, 22084127, 25708934, 29118263, 32978683, 28709720, 32176830)

Revvity Omics, Revvity
Classification: Likely pathogenic. Last evaluated: 2024-01-19. Review status: criteria provided, single submitter. Criteria: ACMG Guidelines, 2015. Collection method: clinical testing. Allele origin: germline.

Baylor Genetics
Classification: Likely pathogenic for Myopathy, distal, with rimmed vacuoles. Last evaluated: 2023-08-09. Review status: criteria provided, single submitter. Criteria: ACMG Guidelines, 2015. Collection method: clinical testing. Allele origin: unknown.

Department of Pathology and Laboratory Medicine, Sinai Health System
Classification: Likely pathogenic for Frontotemporal dementia and/or amyotrophic lateral sclerosis 3; Myopathy, distal, with rimmed vacuoles; Paget disease of bone 3. Last evaluated: 2023-07-10. Review status: criteria provided, single submitter. Criteria: ACMG Guidelines, 2015. Collection method: research. Allele origin: germline.

Baylor Genetics
Classification: Likely pathogenic for Frontotemporal dementia and/or amyotrophic lateral sclerosis 3. Last evaluated: 2022-10-14. Review status: criteria provided, single submitter. Criteria: ACMG Guidelines, 2015. Collection method: clinical testing. Allele origin: unknown.

Juno Genomics, Hangzhou Juno Genomics, Inc
Classification: Likely pathogenic for Frontotemporal dementia and/or amyotrophic lateral sclerosis 3; Myopathy, distal, with rimmed vacuoles; Neurodegeneration with ataxia, dystonia, and gaze palsy, childhood-onset; Paget disease of bone 3. Review status: criteria provided, single submitter. Criteria: ACMG Guidelines, 2015. Collection method: clinical testing. Allele origin: germline.
Comment: Absent from controls (or at extremely low frequency if recessive) in Genome Aggregation Database.;Well-established in vitro or in vivo functional studies supportive of a damaging effect on the gene or gene product.;The prevalence of the variant in affected individuals is significantly increased compared to the prevalence in controls.;Co-segregation with disease in multiple affected family members.

PreventionGenetics, part of Exact Sciences
Classification: Likely pathogenic for SQSTM1-related condition. Last evaluated: 2024-05-27. Review status: no assertion criteria provided. Collection method: clinical testing. Allele origin: germline. Not counted in ClinVar's aggregate classification.
Comment: The SQSTM1 c.1231G>A variant is predicted to result in the amino acid substitution p.Gly411Ser. This variant was reported in individuals with Paget disease of bone (Hocking et al. 2004. PubMed ID: 15176995; Cronin et al. 2020. PubMed ID: 32176830; Donáth et al. 2020. PubMed ID: 32978683) and in individuals with amyotrophic lateral sclerosis (Fecto et al. 2011. PubMed ID: 22084127; Pang et al. 2017. PubMed ID: 28709720). Functional studies showed this variant impacts the secondary structure of the SQSTM1/p62 protein and its binding activity with ARIP4 (Layfield et al. 2004. PubMed ID: 15493999; Tsuchiya et al. 2015. PubMed ID: 26412716). This variant is reported in 0.020% of alleles in individuals of South Asian descent in gnomAD. Taken together, we interpret this variant as likely pathogenic.

Literature cited by the submitters: PubMed 15176995 (cited by Labcorp Genetics (formerly Invitae), Labcorp); PubMed 17181397 (cited by Labcorp Genetics (formerly Invitae), Labcorp); PubMed 22084127 (cited by Labcorp Genetics (formerly Invitae), Labcorp); PubMed 26412716 (cited by Labcorp Genetics (formerly Invitae), Labcorp).